The following is an entry in ClinVar:

ClinVar aggregate classification (germline): Uncertain significance (1 of 4 stars; one submission).

Conditions:
3 beta-Hydroxysteroid dehydrogenase deficiency. Also called: 3b-hydroxysteroid dehydrogenase deficiency; ADRENAL HYPERPLASIA, CONGENITAL, DUE TO 3-BETA-HYDROXYSTEROID DEHYDROGENASE 2 DEFICIENCY; Congenital adrenal hyperplasia due to 3-beta-hydroxysteroid dehydrogenase deficiency; 3-BETA-HSD DEFICIENCY; ADRENAL HYPERPLASIA II. Identifiers: Orphanet 90791, MedGen C0342471, MeSH C538236, MONDO:0008727, OMIM 201810. Disease mechanism: loss of function.

gnomAD v4.1: 1 of 1,614,086 alleles (0.000062%); highest among the groups gnomAD compares: South Asian, 0.0011%; no homozygotes.

Submission:

Diagnostics Services (NGS), CSIR - Centre For Cellular And Molecular Biology
Classification: Uncertain significance for 3 beta-Hydroxysteroid dehydrogenase deficiency. Last evaluated: 2026-01-23. Review status: criteria provided, single submitter. Criteria: ACMG Guidelines, 2015. Collection method: clinical testing. Allele origin: germline. Affected: yes. Observed: 1 variant allele, 1 homozygote.
Comment: The c.574G>A variant is not present in publicly available population databases like 1000 Genomes, EVS, gnomAD, Indian Exome Database or in our internal database. This variant has neither been published in the literature for HSD3B2-related conditions nor reported to clinical databases like Human Genome Mutation Database (HGMD), ClinVar or OMIM in any affected individuals. In-silico pathogenicity prediction programs like Polyphen-2, MutationTaster2021, CADD, etc. predicted this variant to be likely deleterious, however these predictions were not confirmed by published functional studies. This variant is present in a mutational hotspot region of the gene.

NM_000198.4(HSD3B2):c.574G>A (p.Glu192Lys)

Gene: HSD3B2 (hydroxy-delta-5-steroid dehydrogenase, 3 beta- and steroid delta-isomerase 2; plus strand). Cytogenetic location: 1p12.
Variant type: single nucleotide variant.
Coding change: c.574G>A on transcript NM_000198.4 (MANE Select); coding-DNA position 574, G replaced by A.
Protein change: p.Glu192Lys; replaces glutamic acid 192 with lysine.
Molecular consequence: missense variant.
Genome position (GRCh38, 1-based): chr1:119,422,075, G>A. VCF-style: chr1-119422075-G-A. GRCh37 (hg19) VCF-style: chr1-119964698-G-A.
Other names: c.574G>A, p.Glu192Lys (NM_001166120.2); short protein forms E192K.
Identifiers: ClinVar variation 4849683 (VCV004849683.1).